The following is an entry in ClinVar:

NM_030912.3(TRIM8):c.412G>A (p.Asp138Asn)

Gene: TRIM8 (tripartite motif containing 8; plus strand). Cytogenetic location: 10q24.32.
Variant type: single nucleotide variant.
Coding change: c.412G>A on transcript NM_030912.3 (MANE Select); coding-DNA position 412, G replaced by A.
Protein change: p.Asp138Asn; replaces aspartic acid 138 with asparagine.
Molecular consequence: missense variant. On other transcripts: non-coding transcript variant (1).
Genome position (GRCh38, 1-based): chr10:102,645,029, G>A. VCF-style: chr10-102645029-G-A. GRCh37 (hg19) VCF-style: chr10-104404786-G-A.
Other names: c.412G>A, p.Asp138Asn (NM_001345950.1); c.412G>A (NM_030912.2); short protein forms D138N.
Identifiers: ClinVar variation 1577110 (VCV001577110.10), dbSNP rs374055249, ClinGen allele CA5668075.

ClinVar aggregate classification (germline): Likely benign. Review status: criteria provided, single submitter (1 of 4 stars). 2 submissions from 2 submitters: Likely benign (1). 1 of the submissions does not count toward it. Last evaluated 2025-12-08.

Conditions:
TRIM8-related disorder. Also called: TRIM8-related condition.

Allele frequency attached by ClinVar (database versions not stated): gnomAD exomes 0.00002 and 0.00006; ExAC 0.00005; ESP Exome Variant Server 0.00009; gnomAD 0.00015 and 0.00016; TOPMed 0.00017; 1000 Genomes Project 0.00040; 1000 Genomes Project 30x 0.00047.
gnomAD v4.1: 54 of 1,593,578 alleles (0.0034%); highest among the groups gnomAD compares: African/African-American, 0.061%; no homozygotes.

Submissions (2):

Labcorp Genetics (formerly Invitae), Labcorp
Classification: Likely benign. Last evaluated: 2025-12-08. Review status: criteria provided, single submitter. Criteria: Invitae Variant Classification Sherloc (09022015). Collection method: clinical testing. Allele origin: germline.

PreventionGenetics, part of Exact Sciences
Classification: Likely benign for TRIM8-related condition. Last evaluated: 2023-04-14. Review status: no assertion criteria provided. Collection method: clinical testing. Allele origin: germline. Not counted in ClinVar's aggregate classification.
Comment: This variant is classified as likely benign based on ACMG/AMP sequence variant interpretation guidelines (Richards et al. 2015 PMID: 25741868, with internal and published modifications).